The following is an entry in ClinVar:

NM_024596.5(MCPH1):c.2136+1G>T

Gene: MCPH1 (microcephalin 1; plus strand). Cytogenetic location: 8p23.1.
Variant type: single nucleotide variant.
Coding change: c.2136+1G>T on transcript NM_024596.5 (MANE Select); the canonical splice donor site of the intron after coding-DNA position 2136, G replaced by T.
Molecular consequence: splice donor variant. On other transcripts: genic downstream transcript variant (1).
Genome position (GRCh38, 1-based): chr8:6,480,877, G>T. VCF-style: chr8-6480877-G-T. GRCh37 (hg19) VCF-style: chr8-6338398-G-T.
Other names: c.2136+1G>T (NM_001322042.2, NM_001363979.1, NM_001410917.1 and 1 more transcripts); c.1935+25625G>T (NM_001363980.2).
Identifiers: ClinVar variation 2501251 (VCV002501251.4), dbSNP rs1315452792, ClinGen allele CA370215901.

ClinVar aggregate classification (germline): Conflicting classifications of pathogenicity. Review status: criteria provided, conflicting classifications (1 of 4 stars). 3 submissions from 3 submitters: Likely pathogenic (2); Uncertain significance (1). Last evaluated 2024-12-10.

Conditions:
Autosomal recessive primary microcephaly. Identifiers: Orphanet 2512, MedGen C3711387, MONDO:0016660.
Microcephaly 1, primary, autosomal recessive (MCPH1). Also called: PREMATURE CHROMOSOME CONDENSATION SYNDROME; PCC SYNDROME; PREMATURE CHROMOSOME CONDENSATION WITH MICROCEPHALY AND MENTAL RETARDATION. Identifiers: Orphanet 2512, MedGen C1855081, MONDO:0009617, OMIM 251200.

Allele frequency attached by ClinVar (database versions not stated): gnomAD exomes 0.00001; TOPMed 0.00001; gnomAD 0.00002.
gnomAD v4.1: 25 of 1,613,758 alleles (0.0015%); highest among the groups gnomAD compares: Non-Finnish European, 0.002%; no homozygotes.

Submissions (3):

Labcorp Genetics (formerly Invitae), Labcorp
Classification: Uncertain significance. Last evaluated: 2024-12-10. Review status: criteria provided, single submitter. Criteria: Invitae Variant Classification Sherloc (09022015). Collection method: clinical testing. Allele origin: germline.
Comment: This sequence change affects a donor splice site in intron 11 of the MCPH1 gene. It is expected to disrupt RNA splicing. Variants that disrupt the donor or acceptor splice site typically lead to a loss of protein function (PMID: 16199547), however the current clinical and genetic evidence is not sufficient to establish whether loss-of-function variants in MCPH1 cause disease. This variant is present in population databases (no rsID available, gnomAD 0.0009%). This variant has not been reported in the literature in individuals affected with MCPH1-related conditions. ClinVar contains an entry for this variant (Variation ID: 2501251). Algorithms developed to predict the effect of sequence changes on RNA splicing suggest that this variant may disrupt the consensus splice site. In summary, the available evidence is currently insufficient to determine the role of this variant in disease. Therefore, it has been classified as a Variant of Uncertain Significance.

Fulgent Genetics
Classification: Likely pathogenic for Microcephaly 1, primary, autosomal recessive. Last evaluated: 2024-03-01. Review status: criteria provided, single submitter. Criteria: ACMG Guidelines, 2015. Collection method: clinical testing. Allele origin: germline.

Women's Health and Genetics/Laboratory Corporation of America, LabCorp
Classification: Likely pathogenic for Autosomal recessive primary microcephaly. Last evaluated: 2023-03-23. Review status: criteria provided, single submitter. Criteria: LabCorp Variant Classification Summary - May 2015. Collection method: clinical testing. Allele origin: germline.
Comment: Variant summary: MCPH1 c.2136+1G>T is located in a canonical splice-site and is predicted to affect mRNA splicing resulting in a significantly altered protein due to either exon skipping, shortening, or inclusion of intronic material. One in silico tool predicts a damaging effect on splicing for this variant (TrAP Score: 0.9). However, these predictions have not been validated experimentally. The variant allele was found at a frequency of 4e-06 in 249318 control chromosomes (gnomAD). To our knowledge, no occurrence of c.2136+1G>T in individuals affected with Primary microcephaly and no experimental evidence demonstrating its impact on protein function have been reported. No clinical diagnostic laboratories have submitted clinical-significance assessments for this variant to ClinVar after 2014. Based on the evidence outlined above, the variant was classified as likely pathogenic.

Literature cited by the submitters: PubMed 16199547 (cited by Labcorp Genetics (formerly Invitae), Labcorp).